The following is an entry in ClinVar:

NM_001257291.2(SLC9A7):c.73_87del (p.Leu25_Leu29del)

Genes: SLC9A7 (solute carrier family 9 member A7; minus strand), LOC130068197 (ATAC-STARR-seq lymphoblastoid silent region 20793; plus strand). Cytogenetic location: Xp11.3.
Variant type: Deletion.
Coding change: c.73_87del on transcript NM_001257291.2 (MANE Select); coding-DNA positions 73 to 87, 15 bases deleted (CTGCCGCTGCTGCTG).
Protein change: p.Leu25_Leu29del.
Molecular consequence: inframe deletion.
Genome position (GRCh38, 1-based): chrX:46,758,943-46,758,957, CAGCAGCAGCGGCAG deleted on the plus strand (CTGCCGCTGCTGCTG on the coding strand, the reverse complement: SLC9A7 is on the minus strand); deleting any 15 consecutive bases within chrX:46,758,943-46,758,967 gives the same sequence; the c. name uses the placement nearest the transcript's 3' end. VCF-style (leftmost placement, unchanged base first): chrX-46758942-CCAGCAGCAGCGGCAG-C. GRCh37 (hg19) VCF-style: chrX-46618377-CCAGCAGCAGCGGCAG-C.
Other names: c.73_87del, p.Leu25_Leu29del (NM_032591.3).
Identifiers: ClinVar variation 2053249 (VCV002053249.28), dbSNP rs782071275, ClinGen allele CA10394146.

ClinVar aggregate classification (germline): Likely benign. Review status: criteria provided, multiple submitters, no conflicts (2 of 4 stars). 2 submissions from 2 submitters: Likely benign (2). Last evaluated 2025-08-08.

Submissions (2):

Labcorp Genetics (formerly Invitae), Labcorp
Classification: Likely benign. Last evaluated: 2025-08-08. Review status: criteria provided, single submitter. Criteria: Invitae Variant Classification Sherloc (09022015). Collection method: clinical testing. Allele origin: germline.

CeGaT Center for Human Genetics Tuebingen
Classification: Likely benign. Last evaluated: 2023-03-01. Review status: criteria provided, single submitter. Criteria: CeGaT Center For Human Genetics Tuebingen Variant Classification Criteria Version 2. Collection method: clinical testing. Allele origin: germline. Affected: yes. Observed: 2 variant alleles.
Comment: SLC9A7: BS2